The following is an entry in ClinVar:

NM_000535.7(PMS2):c.1550G>A (p.Ser517Asn)

Gene: PMS2 (PMS1 homolog 2, mismatch repair system component; minus strand). Cytogenetic location: 7p22.1.
Variant type: single nucleotide variant.
Coding change: c.1550G>A on transcript NM_000535.7 (MANE Select); coding-DNA position 1550, G replaced by A.
Protein change: p.Ser517Asn; replaces serine 517 with asparagine.
Molecular consequence: missense variant. On other transcripts: non-coding transcript variant (1).
Genome position (GRCh38, 1-based): chr7:5,987,215, C>T on the plus strand (G>A on the coding strand, the complement: PMS2 is on the minus strand). VCF-style: chr7-5987215-C-T. GRCh37 (hg19) VCF-style: chr7-6026846-C-T.
Other names: c.1145G>A, p.Ser382Asn (NM_001322003.2, NM_001322004.2, NM_001322005.2 and 1 more transcripts); c.1394G>A, p.Ser465Asn (NM_001322006.2); c.1232G>A, p.Ser411Asn (NM_001322007.2, NM_001322008.2); c.989G>A, p.Ser330Asn (NM_001322010.2); c.617G>A, p.Ser206Asn (NM_001322011.2, NM_001322012.2); c.977G>A, p.Ser326Asn (NM_001322013.2); c.1550G>A, p.Ser517Asn (NM_001322014.2); c.1241G>A, p.Ser414Asn (NM_001322015.2); and 1 more; short protein forms S517N, S411N, S465N, S330N, S326N, S414N, S206N, S382N.
Identifiers: ClinVar variation 628010 (VCV000628010.8), dbSNP rs1562630934, ClinGen allele CA366741608.

ClinVar aggregate classification (germline): Uncertain significance. Review status: criteria provided, multiple submitters, no conflicts (2 of 4 stars). 3 submissions from 3 submitters: Uncertain significance (3). Last evaluated 2023-07-05.

Conditions:
Hereditary cancer-predisposing syndrome. Also called: Neoplastic Syndromes, Hereditary; Tumor predisposition; Hereditary neoplastic syndrome; Hereditary Cancer Syndrome. Identifiers: Orphanet 140162, MedGen C0027672, MeSH D009386, MONDO:0015356.
Hereditary nonpolyposis colorectal neoplasms. Identifiers: MedGen C0009405, MeSH D003123.

Allele frequency attached by ClinVar (database versions not stated): TOPMed below 0.00001.

Submissions (3):

Ambry Genetics
Classification: Uncertain significance for Hereditary cancer-predisposing syndrome. Last evaluated: 2023-07-05. Review status: criteria provided, single submitter. Criteria: Ambry Variant Classification Scheme 2023. Collection method: clinical testing. Allele origin: germline.
Comment: The p.S517N variant (also known as c.1550G>A), located in coding exon 11 of the PMS2 gene, results from a G to A substitution at nucleotide position 1550. The serine at codon 517 is replaced by asparagine, an amino acid with highly similar properties. This amino acid position is not well conserved in available vertebrate species. In addition, this alteration is predicted to be tolerated by in silico analysis. Since supporting evidence is limited at this time, the clinical significance of this alteration remains unclear.

Labcorp Genetics (formerly Invitae), Labcorp
Classification: Uncertain significance for Hereditary nonpolyposis colorectal neoplasms. Last evaluated: 2022-06-13. Review status: criteria provided, single submitter. Criteria: Invitae Variant Classification Sherloc (09022015). Collection method: clinical testing. Allele origin: germline.
Comment: This variant has not been reported in the literature in individuals affected with PMS2-related conditions. In summary, the available evidence is currently insufficient to determine the role of this variant in disease. Therefore, it has been classified as a Variant of Uncertain Significance. Advanced modeling of protein sequence and biophysical properties (such as structural, functional, and spatial information, amino acid conservation, physicochemical variation, residue mobility, and thermodynamic stability) performed at Invitae indicates that this missense variant is not expected to disrupt PMS2 protein function. ClinVar contains an entry for this variant (Variation ID: 628010). This variant is not present in population databases (gnomAD no frequency). This sequence change replaces serine, which is neutral and polar, with asparagine, which is neutral and polar, at codon 517 of the PMS2 protein (p.Ser517Asn).

Color Diagnostics, LLC DBA Color Health
Classification: Uncertain significance for Hereditary cancer-predisposing syndrome. Last evaluated: 2018-09-20. Review status: criteria provided, single submitter. Criteria: ACMG Guidelines, 2015. Collection method: clinical testing. Allele origin: germline.